The following is an entry in ClinVar:

ClinVar aggregate classification (germline): Uncertain significance. Review status: criteria provided, multiple submitters, no conflicts (2 of 4 stars). 2 submissions from 2 submitters: Uncertain significance (2). Last evaluated 2024-08-31.

Conditions:
Familial hemophagocytic lymphohistiocytosis 5. Also called: STXBP2-Related Familial Hemophagocytic Lymphohistiocytosis (STXBP2-fHLH). Identifiers: Orphanet 540, MedGen C2751293, MONDO:0013135, OMIM 613101.

Allele frequency attached by ClinVar (database versions not stated): TOPMed below 0.00001; gnomAD 0.00001; gnomAD exomes 0.00001; ExAC 0.00002.

Submissions (2):

Women's Health and Genetics/Laboratory Corporation of America, LabCorp
Classification: Uncertain significance. Last evaluated: 2024-08-31. Review status: criteria provided, single submitter. Criteria: LabCorp Variant Classification Summary - May 2015. Collection method: clinical testing. Allele origin: germline.

Labcorp Genetics (formerly Invitae), Labcorp
Classification: Uncertain significance for Familial hemophagocytic lymphohistiocytosis 5. Last evaluated: 2022-02-04. Review status: criteria provided, single submitter. Criteria: Invitae Variant Classification Sherloc (09022015). Collection method: clinical testing. Allele origin: germline.
Comment: This sequence change falls in intron 2 of the STXBP2 gene. It does not directly change the encoded amino acid sequence of the STXBP2 protein. It affects a nucleotide within the consensus splice site. This variant is present in population databases (rs771510137, gnomAD 0.005%). This variant has not been reported in the literature in individuals affected with STXBP2-related conditions. ClinVar contains an entry for this variant (Variation ID: 861247). Variants that disrupt the consensus splice site are a relatively common cause of aberrant splicing (PMID: 17576681, 9536098). Algorithms developed to predict the effect of sequence changes on RNA splicing suggest that this variant may disrupt the consensus splice site. In summary, the available evidence is currently insufficient to determine the role of this variant in disease. Therefore, it has been classified as a Variant of Uncertain Significance.

Literature cited by the submitters: PubMed 17576681 (cited by Labcorp Genetics (formerly Invitae), Labcorp); PubMed 9536098 (cited by Labcorp Genetics (formerly Invitae), Labcorp).

NM_006949.4(STXBP2):c.87+3del

Gene: STXBP2 (syntaxin binding protein 2; plus strand). Cytogenetic location: 19p13.2.
Variant type: Deletion.
Coding change: c.87+3del on transcript NM_006949.4 (MANE Select); 3 bases into the intron after coding-DNA position 87, one base deleted (A; older notation c.87+3delA).
Molecular consequence: intron variant.
Genome position (GRCh38, 1-based): chr19:7,638,778, A deleted. VCF-style (leftmost placement, unchanged base first): chr19-7638777-TA-T. GRCh37 (hg19) VCF-style: chr19-7703663-TA-T.
Other names: c.87+3del (NM_001272034.2, NM_001127396.3); c.87+3delA (NM_006949.4).
Identifiers: ClinVar variation 861247 (VCV000861247.6), dbSNP rs771510137, ClinGen allele CA9143117.